The following is an entry in ClinVar:

ClinVar aggregate classification (germline): Uncertain significance. Review status: criteria provided, multiple submitters, no conflicts (2 of 4 stars). 3 submissions from 3 submitters: Uncertain significance (3). Last evaluated 2026-01-19.

Conditions:
TELO2-related intellectual disability-neurodevelopmental disorder. Also called: You-Hoover-Fong syndrome. Identifiers: Orphanet 488642, MedGen C4310778, MONDO:0014848, OMIM 616954.
Inborn genetic diseases. Identifiers: MedGen C0950123, MeSH D030342.

Allele frequency attached by ClinVar (database versions not stated): gnomAD 0.00012; gnomAD exomes 0.00013 and 0.00015; TOPMed 0.00013; ExAC 0.00014; ESP Exome Variant Server 0.00023.
gnomAD v4.1: 232 of 1,610,504 alleles (0.014%); highest among the groups gnomAD compares: Non-Finnish European, 0.018%; no homozygotes.

Submissions (3):

Labcorp Genetics (formerly Invitae), Labcorp
Classification: Uncertain significance. Last evaluated: 2026-01-19. Review status: criteria provided, single submitter. Criteria: Invitae Variant Classification Sherloc (09022015). Collection method: clinical testing. Allele origin: germline.
Comment: This sequence change replaces arginine, which is basic and polar, with tryptophan, which is neutral and slightly polar, at codon 377 of the TELO2 protein (p.Arg377Trp). This variant is present in population databases (rs200293618, gnomAD 0.02%). This variant has not been reported in the literature in individuals affected with TELO2-related conditions. ClinVar contains an entry for this variant (Variation ID: 1033802). Invitae Evidence Modeling of protein sequence and biophysical properties (such as structural, functional, and spatial information, amino acid conservation, physicochemical variation, residue mobility, and thermodynamic stability) indicates that this missense variant is not expected to disrupt TELO2 protein function with a negative predictive value of 95%. In summary, the available evidence is currently insufficient to determine the role of this variant in disease. Therefore, it has been classified as a Variant of Uncertain Significance.

Ambry Genetics
Classification: Uncertain significance for Inborn genetic diseases. Last evaluated: 2025-08-25. Review status: criteria provided, single submitter. Criteria: Ambry Variant Classification Scheme 2023. Collection method: clinical testing. Allele origin: germline.

Baylor Genetics
Classification: Uncertain significance for TELO2-related intellectual disability-neurodevelopmental disorder. Last evaluated: 2018-02-19. Review status: criteria provided, single submitter. Criteria: ACMG Guidelines, 2015. Collection method: clinical testing. Allele origin: paternal. Affected: yes.
Comment: This variant was determined to be of uncertain significance according to ACMG Guidelines, 2015 [PMID:25741868].

NM_016111.4(TELO2):c.1129C>T (p.Arg377Trp)

Gene: TELO2 (telomere maintenance 2; plus strand). Cytogenetic location: 16p13.3.
Variant type: single nucleotide variant.
Coding change: c.1129C>T on transcript NM_016111.4 (MANE Select); coding-DNA position 1129, C replaced by T.
Protein change: p.Arg377Trp; replaces arginine 377 with tryptophan.
Molecular consequence: missense variant.
Genome position (GRCh38, 1-based): chr16:1,500,473, C>T. VCF-style: chr16-1500473-C-T. GRCh37 (hg19) VCF-style: chr16-1550474-C-T.
Other names: c.1129C>T, p.Arg377Trp (NM_001351846.2); short protein forms R377W.
Identifiers: ClinVar variation 1033802 (VCV001033802.7), dbSNP rs200293618, ClinGen allele CA7811948.